The following is an entry in ClinVar:

ClinVar aggregate classification (germline): Uncertain significance. Review status: criteria provided, multiple submitters, no conflicts (2 of 4 stars). 2 submissions from 2 submitters: Uncertain significance (2). Last evaluated 2024-12-18.

Conditions:
COG4-congenital disorder of glycosylation. Also called: COG4-CDG; CONGENITAL DISORDER OF GLYCOSYLATION, TYPE IIj; CDG IIj. Identifiers: Orphanet 263501, MedGen C4303552, MONDO:0013281, OMIM 613489.

Submissions (2):

Labcorp Genetics (formerly Invitae), Labcorp
Classification: Uncertain significance for COG4-congenital disorder of glycosylation. Last evaluated: 2024-12-18. Review status: criteria provided, single submitter. Criteria: Invitae Variant Classification Sherloc (09022015). Collection method: clinical testing. Allele origin: germline.
Comment: This sequence change replaces glutamine, which is neutral and polar, with proline, which is neutral and non-polar, at codon 89 of the COG4 protein (p.Gln89Pro). This variant is present in population databases (no rsID available, gnomAD 0.02%). This variant has not been reported in the literature in individuals affected with COG4-related conditions. ClinVar contains an entry for this variant (Variation ID: 1203264). An algorithm developed to predict the effect of missense changes on protein structure and function (PolyPhen-2) suggests that this variant is likely to be disruptive. In summary, the available evidence is currently insufficient to determine the role of this variant in disease. Therefore, it has been classified as a Variant of Uncertain Significance.

GeneDx
Classification: Uncertain significance. Last evaluated: 2020-03-19. Review status: criteria provided, single submitter. Criteria: GeneDx Variant Classification Process June 2021. Collection method: clinical testing. Allele origin: germline. Affected: yes.
Comment: In silico analysis supports a deleterious effect on protein structure/function; Has not been previously published as pathogenic or benign to our knowledge

NM_015386.3(COG4):c.266_267inv (p.Gln89Pro)

Gene: COG4 (component of oligomeric golgi complex 4; minus strand). Cytogenetic location: 16q22.1.
Variant type: Inversion.
Coding change: c.266_267inv on transcript NM_015386.3 (MANE Select).
Protein change: p.Gln89Pro; replaces glutamine 89 with proline.
Molecular consequence: missense variant. On other transcripts: 5 prime UTR variant (1), non-coding transcript variant (1).
Genome position: GRCh38 VCF-style: chr16-70517728-CT-AG. GRCh37 (hg19) VCF-style: chr16-70551631-CT-AG.
Other names: c.254_255inv, p.Gln85Pro (NM_001195139.2); c.-334_-333inv (NM_001365426.1); short protein forms Q85P, Q89P.
Identifiers: ClinVar variation 1203264 (VCV001203264.5), ClinGen allele CA2499223683.